The following is an entry in ClinVar:

ClinVar aggregate classification (germline): Uncertain significance (1 of 4 stars; one submission).

Conditions:
Inborn genetic diseases. Identifiers: MedGen C0950123, MeSH D030342.

gnomAD v4.1: 1 of 1,613,682 alleles (0.000062%); highest among the groups gnomAD compares: African/African-American, 0.0013%; no homozygotes.

Submission:

Ambry Genetics
Classification: Uncertain significance for Inborn genetic diseases. Last evaluated: 2026-02-27. Review status: criteria provided, single submitter. Criteria: Ambry Variant Classification Scheme 2023. Collection method: clinical testing. Allele origin: germline.
Comment: The p.T695A variant (also known as c.2083A>G), located in coding exon 16 of the BUB1B gene, results from an A to G substitution at nucleotide position 2083. The threonine at codon 695 is replaced by alanine, an amino acid with similar properties. This amino acid position is conserved. In addition, this alteration is predicted to be tolerated by in silico analysis. Based on the available evidence, the clinical significance of this variant remains unclear.

NM_001211.6(BUB1B):c.2083A>G (p.Thr695Ala)

Gene: BUB1B (BUB1 mitotic checkpoint serine/threonine kinase B; plus strand). Cytogenetic location: 15q15.1.
Variant type: single nucleotide variant.
Coding change: c.2083A>G on transcript NM_001211.6 (MANE Select); coding-DNA position 2083, A replaced by G.
Protein change: p.Thr695Ala; replaces threonine 695 with alanine.
Molecular consequence: missense variant.
Genome position (GRCh38, 1-based): chr15:40,208,710, A>G. VCF-style: chr15-40208710-A-G. GRCh37 (hg19) VCF-style: chr15-40500911-A-G.
Other names: short protein forms T695A.
Identifiers: ClinVar variation 4826650 (VCV004826650.1).